The following is an entry in ClinVar:

NM_001283009.2(RTEL1):c.860C>T (p.Thr287Ile)

Genes: RTEL1 (regulator of telomere elongation helicase 1; plus strand), RTEL1-TNFRSF6B (RTEL1-TNFRSF6B readthrough (NMD candidate); plus strand). Cytogenetic location: 20q13.33.
Variant type: single nucleotide variant.
Coding change: c.860C>T on transcript NM_001283009.2 (MANE Select); coding-DNA position 860, C replaced by T.
Protein change: p.Thr287Ile; replaces threonine 287 with isoleucine.
Molecular consequence: missense variant. On other transcripts: non-coding transcript variant (1).
Genome position (GRCh38, 1-based): chr20:63,674,034, C>T. VCF-style: chr20-63674034-C-T. GRCh37 (hg19) VCF-style: chr20-62305387-C-T.
Other names: c.191C>T, p.Thr64Ile (NM_001283010.1); c.860C>T, p.Thr287Ile (NM_016434.4); c.932C>T, p.Thr311Ile (NM_032957.5); short protein forms T287I, T311I, T64I.
Identifiers: ClinVar variation 573620 (VCV000573620.23), dbSNP rs561054389, ClinGen allele CA9964464.

ClinVar aggregate classification (germline): Conflicting classifications of pathogenicity. Review status: criteria provided, conflicting classifications (1 of 4 stars). 9 submissions from 9 submitters: Uncertain significance (5); Likely benign (2). 2 of the submissions do not count toward it. Last evaluated 2026-01-19.

Conditions:
RTEL1-related disorder. Also called: RTEL1-related condition; RTEL1-related disorders.
Dyskeratosis congenita, autosomal recessive 5 (DKCB5). Identifiers: MedGen C3554656, MONDO:0014076, OMIM 615190.
Pulmonary fibrosis and/or bone marrow failure, Telomere-related, 3. Also called: PULMONARY FIBROSIS AND/OR BONE MARROW FAILURE SYNDROME, TELOMERE-RELATED, 3. Identifiers: Orphanet 2032, MedGen C4225346, MONDO:0014613, OMIM 616373.
Inborn genetic diseases. Identifiers: MedGen C0950123, MeSH D030342.
Dyskeratosis congenita. Identifiers: Orphanet 1775, MedGen C0265965, MONDO:0015780.

Allele frequency attached by ClinVar (database versions not stated): gnomAD 0.00014 and 0.00015; 1000 Genomes Project 30x 0.00016; TOPMed 0.00018; 1000 Genomes Project 0.00020; ExAC 0.00025.
gnomAD v4.1: 187 of 1,613,854 alleles (0.012%); highest among the groups gnomAD compares: Admixed American, 0.1%; no homozygotes.

Submissions (9):

Labcorp Genetics (formerly Invitae), Labcorp
Classification: Uncertain significance for Dyskeratosis congenita, autosomal recessive 5; Pulmonary fibrosis and/or bone marrow failure, Telomere-related, 3. Last evaluated: 2026-01-19. Review status: criteria provided, single submitter. Criteria: Invitae Variant Classification Sherloc (09022015). Collection method: clinical testing. Allele origin: germline.
Comment: This sequence change replaces threonine, which is neutral and polar, with isoleucine, which is neutral and non-polar, at codon 287 of the RTEL1 protein (p.Thr287Ile). This variant is present in population databases (rs561054389, gnomAD 0.1%). This variant has not been reported in the literature in individuals affected with RTEL1-related conditions. This variant is also known as NM_032957.4:c.932C>T (p.Thr311Ile). ClinVar contains an entry for this variant (Variation ID: 573620). An algorithm developed to predict the effect of missense changes on protein structure and function (PolyPhen-2) suggests that this variant is likely to be tolerated. In summary, the available evidence is currently insufficient to determine the role of this variant in disease. Therefore, it has been classified as a Variant of Uncertain Significance.

Mayo Clinic Laboratories, Mayo Clinic
Classification: Likely benign. Last evaluated: 2025-09-11. Review status: criteria provided, single submitter. Criteria: ACMG Guidelines, 2015. Collection method: clinical testing. Allele origin: germline. Observed: 4 variant alleles.
Comment: BS1, BP4

GeneDx
Classification: Uncertain significance. Last evaluated: 2025-06-17. Review status: criteria provided, single submitter. Criteria: GeneDx Variant Classification Process June 2021. Collection method: clinical testing. Allele origin: germline. Affected: yes.
Comment: In silico analysis suggests that this missense variant does not alter protein structure/function; This variant is associated with the following publications: (PMID: 33935155, 30964210)

Blueprint Genetics
Classification: Likely benign. Last evaluated: 2024-11-27. Review status: criteria provided, single submitter. Criteria: ACMG Guidelines, 2015. Collection method: clinical testing. Allele origin: germline.

Ambry Genetics
Classification: Uncertain significance for Inborn genetic diseases. Last evaluated: 2024-08-07. Review status: criteria provided, single submitter. Criteria: Ambry Variant Classification Scheme 2023. Collection method: clinical testing. Allele origin: germline.
Comment: The p.T311I variant (also known as c.932C>T), located in coding exon 9 of the RTEL1 gene, results from a C to T substitution at nucleotide position 932. The threonine at codon 311 is replaced by isoleucine, an amino acid with similar properties. This amino acid position is conserved. In addition, this alteration is predicted to be tolerated by in silico analysis. Since supporting evidence is limited at this time, the clinical significance of this alteration remains unclear.

Fulgent Genetics
Classification: Uncertain significance for Dyskeratosis congenita, autosomal recessive 5; Pulmonary fibrosis and/or bone marrow failure, Telomere-related, 3. Last evaluated: 2022-03-01. Review status: criteria provided, single submitter. Criteria: ACMG Guidelines, 2015. Collection method: clinical testing. Allele origin: unknown.

Revvity Omics, Revvity
Classification: Uncertain significance. Last evaluated: 2020-01-06. Review status: criteria provided, single submitter. Criteria: ACMG Guidelines, 2015. Collection method: clinical testing. Allele origin: germline.

PreventionGenetics, part of Exact Sciences
Classification: Uncertain significance for RTEL1-related condition. Last evaluated: 2024-08-19. Review status: no assertion criteria provided. Collection method: clinical testing. Allele origin: germline. Not counted in ClinVar's aggregate classification.
Comment: The RTEL1 c.932C>T variant is predicted to result in the amino acid substitution p.Thr311Ile. To our knowledge, this variant has not been reported in the literature. This variant is reported in 0.10% of alleles in individuals of Latino descent in gnomAD. This variant could be benign. At this time, the clinical significance of this variant is uncertain due to the absence of conclusive functional and genetic evidence.

Natera, Inc.
Classification: Uncertain significance for Dyskeratosis congenita. Last evaluated: 2020-01-14. Review status: no assertion criteria provided. Collection method: clinical testing. Allele origin: germline. Not counted in ClinVar's aggregate classification.